The following is an entry in ClinVar:

ClinVar aggregate classification (germline): Conflicting classifications of pathogenicity. Review status: criteria provided, conflicting classifications (1 of 4 stars). 2 submissions from 2 submitters: Likely pathogenic (1); Uncertain significance (1). Last evaluated 2025-08-07.

Conditions:
Hypotonia, infantile, with psychomotor retardation and characteristic facies 3 (IHPRF3). Also called: TBCK-Related Neurodevelopmental Disorder. Identifiers: Orphanet 488632, MedGen C5567480, MONDO:0014823, OMIM 616900.

Allele frequency attached by ClinVar (database versions not stated): gnomAD exomes below 0.00001; ExAC 0.00001; TOPMed 0.00002; gnomAD 0.00001; ESP Exome Variant Server 0.00008.
gnomAD v4.1: 4 of 1,612,862 alleles (0.00025%); highest among the groups gnomAD compares: African/African-American, 0.004%; no homozygotes.

Submissions (2):

GeneDx
Classification: Likely pathogenic. Last evaluated: 2025-08-07. Review status: criteria provided, single submitter. Criteria: GeneDx Variant Classification Process June 2021. Collection method: clinical testing. Allele origin: germline.
Comment: Not observed at significant frequency in large population cohorts (gnomAD); In silico analysis supports that this missense variant has a deleterious effect on protein structure/function; Has not been previously published as pathogenic or benign to our knowledge; This variant is associated with the following publications: (PMID: Cagwin2025[article])

Broad Center for Mendelian Genomics, Broad Institute of MIT and Harvard
Classification: Uncertain significance for Hypotonia, infantile, with psychomotor retardation and characteristic facies 3. Last evaluated: 2025-01-13. Review status: criteria provided, single submitter. Criteria: ACMG Guidelines, 2015. Collection method: curation. Allele origin: germline. Inheritance: Autosomal recessive inheritance.
Comment: The p.Gly659Arg variant in TBCK has not been previously reported in the literature in individuals with TBCK-related intellectual disability syndrome, but has been identified in 0.004% (3/74830) of African/African American chromosomes by the Genome Aggregation Database (gnomAD; dbSNP ID: rs369077117). Although this variant has been seen in the general population in a heterozygous state, its frequency is low enough to be consistent with a recessive carrier frequency. This variant has also been reported in ClinVar (Variation ID: 2412970) and has been interpreted as likely pathogenic by GeneDx. Computational prediction tools and conservation analyses do not provide strong support for or against an impact to the protein. In summary, the clinical significance of the p.Gly659Arg variant is uncertain. ACMG/AMP Criteria applied: PM2_supporting (Richards 2015).

NM_001163435.3(TBCK):c.1975G>A (p.Gly659Arg)

Gene: TBCK (TBC1 domain containing kinase; minus strand). Cytogenetic location: 4q24.
Variant type: single nucleotide variant.
Coding change: c.1975G>A on transcript NM_001163435.3 (MANE Select); coding-DNA position 1975, G replaced by A.
Protein change: p.Gly659Arg; replaces glycine 659 with arginine.
Molecular consequence: missense variant.
Genome position (GRCh38, 1-based): chr4:106,193,693, C>T on the plus strand (G>A on the coding strand, the complement: TBCK is on the minus strand). VCF-style: chr4-106193693-C-T. GRCh37 (hg19) VCF-style: chr4-107114850-C-T.
Other names: NM_001163435.3(TBCK):c.1975G>A; p.Gly659Arg; c.1975G>A, p.Gly659Arg (NM_001163436.4); c.1858G>A, p.Gly620Arg (NM_001163437.3); c.1459G>A, p.Gly487Arg (NM_001290768.2); c.1786G>A, p.Gly596Arg (NM_033115.5); short protein forms G487R, G596R, G620R, G659R.
Identifiers: ClinVar variation 2412970 (VCV002412970.5), dbSNP rs369077117, ClinGen allele CA3034843.